The following is an entry in ClinVar:

NM_020376.4(PNPLA2):c.85C>T (p.Leu29Phe)

Genes: PNPLA2 (patatin like domain 2, triacylglycerol lipase; plus strand), LOC130005097 (ATAC-STARR-seq lymphoblastoid silent region 3036; plus strand). Cytogenetic location: 11p15.5.
Variant type: single nucleotide variant.
Coding change: c.85C>T on transcript NM_020376.4 (MANE Select); coding-DNA position 85, C replaced by T.
Protein change: p.Leu29Phe; replaces leucine 29 with phenylalanine.
Molecular consequence: missense variant.
Genome position (GRCh38, 1-based): chr11:819,803, C>T. VCF-style: chr11-819803-C-T. GRCh37 (hg19) VCF-style: chr11-819803-C-T.
Other names: short protein forms L29F.
Identifiers: ClinVar variation 465799 (VCV000465799.15), dbSNP rs759976184, ClinGen allele CA5790902.
Genomic context (GRCh38, chr11:819,803, plus strand): 5'-AACATCTCGTTCGCGGGCTGCGGCTTCCTCGGCGTCTACTACGTCGGCGTGGCCTCCTGC[C>T]TCCGCGAGCACGCGCCCTTCCTGGTGGCCAACGCCACGCACATCTACGGCGCCTCGGCCG-3'
Protein context (NP_065109.1, residues 19-39): GVYYVGVASC[Leu29Phe]REHAPFLVAN

ClinVar aggregate classification (germline): Uncertain significance. Review status: criteria provided, multiple submitters, no conflicts (2 of 4 stars). 3 submissions from 3 submitters: Uncertain significance (3). Last evaluated 2024-11-15.

Conditions:
Neutral lipid storage myopathy (NLSDM). Also called: NEUTRAL LIPID STORAGE DISEASE WITHOUT ICHTHYOSIS. Identifiers: Orphanet 98908, MedGen C1853136, MONDO:0012545, OMIM 610717.
Inborn genetic diseases. Identifiers: MedGen C0950123, MeSH D030342.

Allele frequency attached by ClinVar (database versions not stated): gnomAD exomes 0.00009 and 0.00024; gnomAD 0.00010; TOPMed 0.00014; ExAC 0.00039.

Submissions (3):

Ambry Genetics
Classification: Uncertain significance for Inborn genetic diseases. Last evaluated: 2024-11-15. Review status: criteria provided, single submitter. Criteria: Ambry Variant Classification Scheme 2023. Collection method: clinical testing. Allele origin: germline.

Revvity Omics, Revvity
Classification: Uncertain significance for Neutral lipid storage myopathy. Last evaluated: 2023-03-03. Review status: criteria provided, single submitter. Criteria: ACMG Guidelines, 2015. Collection method: clinical testing. Allele origin: germline.

Labcorp Genetics (formerly Invitae), Labcorp
Classification: Uncertain significance for Neutral lipid storage myopathy. Last evaluated: 2022-10-05. Review status: criteria provided, single submitter. Criteria: Invitae Variant Classification Sherloc (09022015). Collection method: clinical testing. Allele origin: germline.
Comment: This sequence change replaces leucine, which is neutral and non-polar, with phenylalanine, which is neutral and non-polar, at codon 29 of the PNPLA2 protein (p.Leu29Phe). This variant is present in population databases (rs759976184, gnomAD 0.1%). This variant has not been reported in the literature in individuals affected with PNPLA2-related conditions. ClinVar contains an entry for this variant (Variation ID: 465799). Advanced modeling of protein sequence and biophysical properties (such as structural, functional, and spatial information, amino acid conservation, physicochemical variation, residue mobility, and thermodynamic stability) performed at Invitae indicates that this missense variant is not expected to disrupt PNPLA2 protein function. In summary, the available evidence is currently insufficient to determine the role of this variant in disease. Therefore, it has been classified as a Variant of Uncertain Significance.